The following is an entry in ClinVar:

NM_025179.4(PLXNA2):c.3027C>G (p.Pro1009=)

Gene: PLXNA2 (plexin A2; minus strand). Cytogenetic location: 1q32.2.
Variant type: single nucleotide variant.
Coding change: c.3027C>G on transcript NM_025179.4 (MANE Select); coding-DNA position 3027, C replaced by G.
Protein change: p.Pro1009=; no amino-acid change (proline 1009 retained).
Molecular consequence: synonymous variant.
Genome position (GRCh38, 1-based): chr1:208,051,390, G>C on the plus strand (C>G on the coding strand, the complement: PLXNA2 is on the minus strand). VCF-style: chr1-208051390-G-C. GRCh37 (hg19) VCF-style: chr1-208224735-G-C.
Identifiers: ClinVar variation 3350582 (VCV003350582.1).
Genomic context (GRCh38, chr1:208,051,390, plus strand): 5'-CACATGGGCTCGGTCGACACTCACAGAAACAGGGACCGGGCCAAGGCCATTGGATGATGG[G>C]GGTGAGACACACACGATCTCACTCATTGACCTCCTGACAGGGAGACAGCAGGAGGGTTGA-3'
Protein context (NP_079455.3, residues 999-1019): RSMSEIVCVS[Pro1009=]PSSNGLGPVP

ClinVar aggregate classification (germline): Likely benign (0 of 4 stars; one submission).

Conditions:
PLXNA2-related disorder. Also called: PLXNA2-related condition.

gnomAD v4.1: 42 of 1,612,294 alleles (0.0026%); highest among the groups gnomAD compares: Non-Finnish European, 0.0035%; no homozygotes.

Submission:

PreventionGenetics, part of Exact Sciences
Classification: Likely benign for PLXNA2-related condition. Last evaluated: 2022-12-01. Review status: no assertion criteria provided. Collection method: clinical testing. Allele origin: germline.
Comment: This variant is classified as likely benign based on ACMG/AMP sequence variant interpretation guidelines (Richards et al. 2015 PMID: 25741868, with internal and published modifications).